The following is an entry in ClinVar:

NM_001243133.2(NLRP3):c.403C>T (p.Arg135Cys)

Gene: NLRP3 (NLR family pyrin domain containing 3; plus strand). Cytogenetic location: 1q44.
Variant type: single nucleotide variant.
Coding change: c.403C>T on transcript NM_001243133.2 (MANE Select); coding-DNA position 403, C replaced by T.
Protein change: p.Arg135Cys; replaces arginine 135 with cysteine.
Molecular consequence: missense variant.
Genome position (GRCh38, 1-based): chr1:247,423,852, C>T. VCF-style: chr1-247423852-C-T. GRCh37 (hg19) VCF-style: chr1-247587154-C-T.
Other names: c.403C>T, p.Arg135Cys (NM_001079821.3, NM_001127461.3, NM_001127462.3 and 1 more transcripts); c.409C>T, p.Arg137Cys (NM_004895.5); short protein forms R137C, R135C.
Identifiers: ClinVar variation 843485 (VCV000843485.11), dbSNP rs201525433, ClinGen allele CA1494867.

ClinVar aggregate classification (germline): Uncertain significance. Review status: criteria provided, multiple submitters, no conflicts (2 of 4 stars). 2 submissions from 2 submitters: Uncertain significance (2). Last evaluated 2022-08-30.

Conditions:
Familial amyloid nephropathy with urticaria AND deafness (MWS). Also called: MUCKLE-WELLS SYNDROME; UDA SYNDROME; URTICARIA-DEAFNESS-AMYLOIDOSIS SYNDROME; Urticaria, deafness and amyloidosis; CRYOPYRIN-ASSOCIATED PERIODIC SYNDROME 2. Identifiers: Orphanet 575, MedGen C0268390, MONDO:0008633, OMIM 191900.
Familial cold autoinflammatory syndrome 1 (FCAS1). Also called: CRYOPYRIN-ASSOCIATED PERIODIC SYNDROME 1; Familial cold inflammatory syndrome 1. Identifiers: Orphanet 47045, MedGen C4551895, MONDO:0007349, OMIM 120100.
Hearing loss, autosomal dominant 34, with or without inflammation. Also called: DEAFNESS, AUTOSOMAL DOMINANT 34, WITH OR WITHOUT INFLAMMATION. Identifiers: MedGen C4521680, MONDO:0033261, OMIM 617772.
Chronic infantile neurological, cutaneous and articular syndrome (CINCA). Also called: CINCA syndrome; Prieur Griscelli syndrome; CRYOPYRIN-ASSOCIATED PERIODIC SYNDROME 3; CHRONIC NEUROLOGIC CUTANEOUS AND ARTICULAR SYNDROME. Identifiers: Orphanet 1451, MedGen C0409818, MONDO:0011776, OMIM 607115.
Keratitis fugax hereditaria. Also called: KERATOENDOTHELIITIS FUGAX HEREDITARIA. Identifiers: Orphanet 647815, MedGen C1835697, MONDO:0007849, OMIM 148200.
Cryopyrin associated periodic syndrome (CAPS). Identifiers: Orphanet 208650, MedGen C2316212, MONDO:0016168.

Allele frequency attached by ClinVar (database versions not stated): ExAC 0.00002; TOPMed 0.00002; gnomAD 0.00003; gnomAD exomes 0.00003.
gnomAD v4.1: 31 of 1,613,420 alleles (0.0019%); highest among the groups gnomAD compares: East Asian, 0.04%; no homozygotes.

Submissions (2):

Labcorp Genetics (formerly Invitae), Labcorp
Classification: Uncertain significance for Cryopyrin associated periodic syndrome. Last evaluated: 2022-08-30. Review status: criteria provided, single submitter. Criteria: Invitae Variant Classification Sherloc (09022015). Collection method: clinical testing. Allele origin: germline.
Comment: In summary, the available evidence is currently insufficient to determine the role of this variant in disease. Therefore, it has been classified as a Variant of Uncertain Significance. Algorithms developed to predict the effect of missense changes on protein structure and function output the following: SIFT: "Tolerated"; PolyPhen-2: "Benign"; Align-GVGD: "Class C0". The cysteine amino acid residue is found in multiple mammalian species, which suggests that this missense change does not adversely affect protein function. ClinVar contains an entry for this variant (Variation ID: 843485). This variant has not been reported in the literature in individuals affected with NLRP3-related conditions. This sequence change replaces arginine, which is basic and polar, with cysteine, which is neutral and slightly polar, at codon 137 of the NLRP3 protein (p.Arg137Cys). This variant is present in population databases (rs201525433, gnomAD 0.03%).

Fulgent Genetics
Classification: Uncertain significance for Familial cold autoinflammatory syndrome 1; Keratitis fugax hereditaria; Familial amyloid nephropathy with urticaria AND deafness; Chronic infantile neurological, cutaneous and articular syndrome; Hearing loss, autosomal dominant 34, with or without inflammation. Last evaluated: 2021-07-07. Review status: criteria provided, single submitter. Criteria: ACMG Guidelines, 2015. Collection method: clinical testing. Allele origin: unknown.